The following is an entry in ClinVar:

NM_000168.6(GLI3):c.1693del (p.Thr565fs)

Gene: GLI3 (GLI family zinc finger 3; minus strand). Cytogenetic location: 7p14.1.
Variant type: Deletion.
Coding change: c.1693del on transcript NM_000168.6 (MANE Select); coding-DNA position 1693, one base deleted (A; older notation c.1693delA).
Protein change: p.Thr565fs; shifts the reading frame from threonine 565.
Molecular consequence: frameshift variant.
Genome position (GRCh38, 1-based): chr7:41,977,677, T deleted on the plus strand (A on the coding strand, the reverse complement: GLI3 is on the minus strand); the first of 4 consecutive T bases (chr7:41,977,677-41,977,680); deleting any one gives the same sequence. VCF-style (leftmost placement, unchanged base first): chr7-41977676-GT-G. GRCh37 (hg19) VCF-style: chr7-42017275-GT-G.
Other names: short protein forms T565fs.
Identifiers: ClinVar variation 1687456 (VCV001687456.1), dbSNP rs2128712297, ClinGen allele CA2573142169.

ClinVar aggregate classification (germline): Likely pathogenic (1 of 4 stars; one submission).

Conditions:
Polydactyly, postaxial, type A1. Identifiers: MedGen C4282400, MONDO:0008266, OMIM 174200.

Submission:

3billion
Classification: Likely pathogenic for Polydactyly, postaxial, type A1. Last evaluated: 2022-05-22. Review status: criteria provided, single submitter. Criteria: ACMG Guidelines, 2015. Collection method: clinical testing. Allele origin: germline. Affected: yes. Observed: 1 heterozygote.
Comment: The variant is not observed in the gnomAD v2.1.1 dataset. Frameshift: predicted to result in a loss or disruption of normal protein function through nonsense-mediated decay (NMD) or protein truncation. Multiple pathogenic variants are reported downstream of the variant. Therefore, this variant is classified as likely pathogenic according to the recommendation of ACMG/AMP guideline.